The following is an entry in ClinVar:

NM_004415.4(DSP):c.1239C>A (p.His413Gln)

Gene: DSP (desmoplakin; plus strand). Cytogenetic location: 6p24.3.
Variant type: single nucleotide variant.
Coding change: c.1239C>A on transcript NM_004415.4 (MANE Select); coding-DNA position 1239, C replaced by A.
Protein change: p.His413Gln; replaces histidine 413 with glutamine.
Molecular consequence: missense variant.
Genome position (GRCh38, 1-based): chr6:7,567,879, C>A. VCF-style: chr6-7567879-C-A. GRCh37 (hg19) VCF-style: chr6-7568112-C-A.
Other names: c.1239C>A, p.His413Gln (NM_001008844.3, NM_001319034.2, NM_001406591.1); short protein forms H413Q.
Identifiers: ClinVar variation 2775271 (VCV002775271.2), dbSNP rs2533881992, ClinGen allele CA362676208.

ClinVar aggregate classification (germline): Uncertain significance (1 of 4 stars; one submission).

Conditions:
Cardiomyopathy (CMYO). Also called: Cardiomyopathies. Identifiers: Orphanet 167848, MedGen C0878544, MONDO:0004994, HP:0001638. Inheritance: Various modes of inheritance.

gnomAD v4.1: 2 of 1,614,012 alleles (0.00012%); highest among the groups gnomAD compares: South Asian, 0.0022%; no homozygotes.

Submission:

Color Diagnostics, LLC DBA Color Health
Classification: Uncertain significance for Cardiomyopathy. Last evaluated: 2023-02-06. Review status: criteria provided, single submitter. Criteria: ACMG Guidelines, 2015. Collection method: clinical testing. Allele origin: germline.
Comment: This missense variant replaces histidine with glutamine at codon 413 of the DSP protein. Computational prediction suggests that this variant may not impact protein structure and function (internally defined REVEL score threshold <= 0.5, PMID: 27666373). To our knowledge, functional studies have not been reported for this variant. This variant has not been reported in individuals affected with DSP-related disorders in the literature. This variant has not been identified in the general population by the Genome Aggregation Database (gnomAD). The available evidence is insufficient to determine the role of this variant in disease conclusively. Therefore, this variant is classified as a Variant of Uncertain Significance.